The following is an entry in ClinVar:

ClinVar aggregate classification (germline): Uncertain significance. Review status: criteria provided, multiple submitters, no conflicts (2 of 4 stars). 2 submissions from 2 submitters: Uncertain significance (2). Last evaluated 2024-11-04.

Conditions:
Tumor predisposition syndrome 3 (TPDS3). Also called: Melanoma, cutaneous malignant, susceptibility to, 10; Glioma susceptibility 9; LONG TELOMERE SYNDROME, POT1-RELATED; POT1 Tumor Predisposition. Identifiers: Orphanet 618, MedGen C4014476, MONDO:0014368, OMIM 615848.
Hereditary cancer-predisposing syndrome. Also called: Tumor predisposition; Neoplastic Syndromes, Hereditary; Hereditary Cancer Syndrome; Hereditary neoplastic syndrome. Identifiers: Orphanet 140162, MedGen C0027672, MeSH D009386, MONDO:0015356.

Allele frequency attached by ClinVar (database versions not stated): gnomAD exomes below 0.00001; gnomAD 0.00001; TOPMed 0.00001.
gnomAD v4.1: 5 of 1,613,864 alleles (0.00031%); highest among the groups gnomAD compares: Non-Finnish European, 0.00042%; no homozygotes.

Submissions (2):

Labcorp Genetics (formerly Invitae), Labcorp
Classification: Uncertain significance for Tumor predisposition syndrome 3. Last evaluated: 2024-11-04. Review status: criteria provided, single submitter. Criteria: Invitae Variant Classification Sherloc (09022015). Collection method: clinical testing. Allele origin: germline.
Comment: This sequence change replaces phenylalanine, which is neutral and non-polar, with tyrosine, which is neutral and polar, at codon 162 of the POT1 protein (p.Phe162Tyr). This variant is not present in population databases (gnomAD no frequency). This variant has not been reported in the literature in individuals affected with POT1-related conditions. ClinVar contains an entry for this variant (Variation ID: 661086). Invitae Evidence Modeling of protein sequence and biophysical properties (such as structural, functional, and spatial information, amino acid conservation, physicochemical variation, residue mobility, and thermodynamic stability) indicates that this missense variant is not expected to disrupt POT1 protein function with a negative predictive value of 80%. In summary, the available evidence is currently insufficient to determine the role of this variant in disease. Therefore, it has been classified as a Variant of Uncertain Significance.

Ambry Genetics
Classification: Uncertain significance for Hereditary cancer-predisposing syndrome. Last evaluated: 2023-08-17. Review status: criteria provided, single submitter. Criteria: Ambry Variant Classification Scheme 2023. Collection method: clinical testing. Allele origin: germline.
Comment: The p.F162Y variant (also known as c.485T>A), located in coding exon 4 of the POT1 gene, results from a T to A substitution at nucleotide position 485. The phenylalanine at codon 162 is replaced by tyrosine, an amino acid with highly similar properties. This amino acid position is well conserved in available vertebrate species. In addition, this alteration is predicted to be tolerated by in silico analysis. Since supporting evidence is limited at this time, the clinical significance of this alteration remains unclear.

NM_015450.3(POT1):c.485T>A (p.Phe162Tyr)

Gene: POT1 (protection of telomeres 1; minus strand). Cytogenetic location: 7q31.33.
Variant type: single nucleotide variant.
Coding change: c.485T>A on transcript NM_015450.3 (MANE Select); coding-DNA position 485, T replaced by A.
Protein change: p.Phe162Tyr; replaces phenylalanine 162 with tyrosine.
Molecular consequence: missense variant. On other transcripts: non-coding transcript variant (3).
Genome position (GRCh38, 1-based): chr7:124,863,411, A>T on the plus strand (T>A on the coding strand, the complement: POT1 is on the minus strand). VCF-style: chr7-124863411-A-T. GRCh37 (hg19) VCF-style: chr7-124503465-A-T.
Other names: c.92T>A, p.Phe31Tyr (NM_001042594.2); short protein forms F162Y, F31Y.
Identifiers: ClinVar variation 661086 (VCV000661086.14), dbSNP rs1357083058, ClinGen allele CA369058958.